The following is an entry in ClinVar:

ClinVar aggregate classification (germline): Uncertain significance. Review status: criteria provided, multiple submitters, no conflicts (2 of 4 stars). 2 submissions from 2 submitters: Uncertain significance (2). Last evaluated 2025-06-13.

Conditions:
CACNA1A-related disorder. Also called: CACNA1A-related condition.

Submissions (2):

PreventionGenetics, part of Exact Sciences
Classification: Uncertain significance for CACNA1A-related condition. Last evaluated: 2025-06-13. Review status: criteria provided, single submitter. Criteria: ACMG Guidelines, 2015. Collection method: clinical testing. Allele origin: germline.
Comment: The CACNA1A c.880C>T variant is predicted to result in the amino acid substitution p.Pro294Ser. This variant was reported in an individual with cerebellar ataxia, although evidence for pathogenicity was not presented (supplementary data, Coutelier et al. 2017. PubMed ID: 28444220). This variant has not been reported in a large population database (gnomAD), indicating this variant is rare. At this time, the clinical significance of this variant is uncertain due to the absence of conclusive functional and genetic evidence.

GeneDx
Classification: Uncertain significance. Last evaluated: 2023-05-16. Review status: criteria provided, single submitter. Criteria: GeneDx Variant Classification Process June 2021. Collection method: clinical testing. Allele origin: germline. Affected: yes.
Comment: Reported in an individual with dominant cerebellar ataxia, however, additional detailed clinical information was not provided (Coutelier et al., 2017); Not observed at significant frequency in large population cohorts (gnomAD); In silico analysis supports that this missense variant has a deleterious effect on protein structure/function; This variant is associated with the following publications: (PMID: 28444220)

NM_001127222.2(CACNA1A):c.880C>T (p.Pro294Ser)

Gene: CACNA1A (calcium voltage-gated channel subunit alpha1 A; minus strand). Cytogenetic location: 19p13.13.
Variant type: single nucleotide variant.
Coding change: c.880C>T on transcript NM_001127222.2 (MANE Select); coding-DNA position 880, C replaced by T.
Protein change: p.Pro294Ser; replaces proline 294 with serine.
Molecular consequence: missense variant.
Genome position (GRCh38, 1-based): chr19:13,359,704, G>A on the plus strand (C>T on the coding strand, the complement: CACNA1A is on the minus strand). VCF-style: chr19-13359704-G-A. GRCh37 (hg19) VCF-style: chr19-13470518-G-A.
Other names: c.880C>T, p.Pro294Ser (NM_000068.4, NM_001127221.2, NM_001174080.2 and 1 more transcripts); c.880C>T (NM_001127222.1); short protein forms P294S.
Identifiers: ClinVar variation 2502812 (VCV002502812.4), dbSNP rs2513152057, ClinGen allele CA404347219.